The following is an entry in ClinVar:

ClinVar aggregate classification (germline): Likely pathogenic (1 of 4 stars; one submission).

Conditions:
Focal facial dermal dysplasia type IV. Also called: Focal facial dermal dysplasia 4. Identifiers: Orphanet 398166, Orphanet 398189, MedGen C3554246, MONDO:0013997, OMIM 614974.

gnomAD v4.1: 33 of 1,540,892 alleles (0.0021%); highest among the groups gnomAD compares: African/African-American, 0.0041%; no homozygotes.

Submission:

First Genomix Gene Laboratory, Genetic Diagnostics Department
Classification: Likely pathogenic for Focal facial dermal dysplasia type IV. Last evaluated: 2025-08-06. Review status: criteria provided, single submitter. Criteria: ACMG Guidelines, 2015. Collection method: clinical testing. Allele origin: germline. Inheritance: Autosomal recessive inheritance. Affected: no. Observed: 1 variant allele.

NM_183374.3(CYP26C1):c.351G>A (p.Trp117Ter)

Gene: CYP26C1 (cytochrome P450 family 26 subfamily C member 1; plus strand). Cytogenetic location: 10q23.33.
Variant type: single nucleotide variant.
Coding change: c.351G>A on transcript NM_183374.3 (MANE Select); coding-DNA position 351, G replaced by A.
Protein change: p.Trp117Ter; replaces tryptophan 117 with a stop codon.
Molecular consequence: nonsense.
Genome position (GRCh38, 1-based): chr10:93,062,156, G>A. VCF-style: chr10-93062156-G-A. GRCh37 (hg19) VCF-style: chr10-94821913-G-A.
Other names: short protein forms W117*.
Identifiers: ClinVar variation 4850601 (VCV004850601.1).